The following is an entry in ClinVar:

ClinVar aggregate classification (germline): Conflicting classifications of pathogenicity. Review status: criteria provided, conflicting classifications (1 of 4 stars). 2 submissions from 2 submitters: Uncertain significance (1); Likely benign (1). Last evaluated 2026-03-12.

Conditions:
COL4A1-related disorder. Also called: COL4A1-related disorders; COL4A1-related condition. Identifiers: MedGen CN376119, MONDO:0800461.

Allele frequency attached by ClinVar (database versions not stated): gnomAD 0.00001; gnomAD exomes 0.00001; ExAC 0.00002; 1000 Genomes Project 30x 0.00016; 1000 Genomes Project 0.00020.

Submissions (2):

PreventionGenetics, part of Exact Sciences
Classification: Likely benign for COL4A1-related condition. Last evaluated: 2026-03-12. Review status: criteria provided, single submitter. Criteria: ACMG Guidelines, 2015. Collection method: clinical testing. Allele origin: germline.
Comment: This variant is classified as likely benign based on ACMG/AMP sequence variant interpretation guidelines (Richards et al. 2015 PMID: 25741868, with internal and published modifications).

Labcorp Genetics (formerly Invitae), Labcorp
Classification: Uncertain significance. Last evaluated: 2024-09-01. Review status: criteria provided, single submitter. Criteria: Invitae Variant Classification Sherloc (09022015). Collection method: clinical testing. Allele origin: germline.
Comment: This sequence change affects codon 557 of the COL4A1 mRNA. It is a 'silent' change, meaning that it does not change the encoded amino acid sequence of the COL4A1 protein. This variant is present in population databases (rs536940151, gnomAD 0.006%). This variant has not been reported in the literature in individuals affected with COL4A1-related conditions. Algorithms developed to predict the effect of sequence changes on RNA splicing suggest that this variant may disrupt the consensus splice site. In summary, the available evidence is currently insufficient to determine the role of this variant in disease. Therefore, it has been classified as a Variant of Uncertain Significance.

NM_001845.6(COL4A1):c.1671A>G (p.Arg557=)

Gene: COL4A1 (collagen type IV alpha 1 chain; minus strand). Cytogenetic location: 13q34.
Variant type: single nucleotide variant.
Coding change: c.1671A>G on transcript NM_001845.6 (MANE Select); coding-DNA position 1671, A replaced by G.
Protein change: p.Arg557=; no amino-acid change (arginine 557 retained).
Molecular consequence: synonymous variant.
Genome position (GRCh38, 1-based): chr13:110,187,195, T>C on the plus strand (A>G on the coding strand, the complement: COL4A1 is on the minus strand). VCF-style: chr13-110187195-T-C. GRCh37 (hg19) VCF-style: chr13-110839542-T-C.
Other names: c.1671A>G (NM_001845.5).
Identifiers: ClinVar variation 2881202 (VCV002881202.4), dbSNP rs536940151, ClinGen allele CA7047861.